The following is an entry in ClinVar:

ClinVar aggregate classification (germline): Benign (1 of 4 stars; one submission).

Allele frequency attached by ClinVar (database versions not stated): TOPMed 0.00282; gnomAD 0.00317; 1000 Genomes Project 30x 0.00437; 1000 Genomes Project 0.00479.

Submission:

CeGaT Center for Human Genetics Tuebingen
Classification: Benign. Last evaluated: 2024-02-01. Review status: criteria provided, single submitter. Criteria: CeGaT Center For Human Genetics Tuebingen Variant Classification Criteria Version 2. Collection method: clinical testing. Allele origin: germline. Affected: yes. Observed: 1 variant allele.
Comment: UFC1: BS1, BS2

NC_000001.11:g.161152992G>C

Gene: UFC1 (ubiquitin-fold modifier conjugating enzyme 1; plus strand). Cytogenetic location: 1q23.3.
Variant type: single nucleotide variant.
Genome position: GRCh38 VCF-style: chr1-161152992-G-C. GRCh37 (hg19) VCF-style: chr1-161122782-G-C.
Identifiers: ClinVar variation 3026802 (VCV003026802.22), dbSNP rs181482336, ClinGen allele CA31655390.
Genomic context (GRCh38, chr1:161,152,992, plus strand): 5'-CCCAGCTACTCAGGACGCTGAGGCAGGAGAATCAATTGAACCCGGGAGGCGGAGGTTGCG[G>C]TGAGCCGAGATCATGCCATTGCACTCCAGCCTGGGCAACAAGAGTGAAACTCGGTCTCCA-3'